The following is an entry in ClinVar:

NM_001371623.1(TCOF1):c.163C>T (p.Gln55Ter)

Gene: TCOF1 (treacle ribosome biogenesis factor 1; plus strand). Cytogenetic location: 5q32.
Variant type: single nucleotide variant.
Coding change: c.163C>T on transcript NM_001371623.1 (MANE Select); coding-DNA position 163, C replaced by T.
Protein change: p.Gln55Ter; replaces glutamine 55 with a stop codon.
Molecular consequence: nonsense.
Genome position (GRCh38, 1-based): chr5:150,361,210, C>T. VCF-style: chr5-150361210-C-T. GRCh37 (hg19) VCF-style: chr5-149740773-C-T.
Other names: c.163C>T, p.Gln55Ter (NM_000356.4, NM_001008657.3, NM_001135243.2 and 3 more transcripts); short protein forms Q55*.
Identifiers: ClinVar variation 1451564 (VCV001451564.8), dbSNP rs2150399547, ClinGen allele CA361728732.
Genomic context (GRCh38, chr5:150,361,210, plus strand): 5'-CTGCAGAAGTGTTTCCTGGCTCAGCCCGTAACCCTTCTGGACATCTATACACACTGGCAA[C>T]AGTAAGTGGTGGGGCCTATAGGGTGGAGTAGGGACGGACACCCCAAGCAACTCAGCTTGG-3'

ClinVar aggregate classification (germline): Pathogenic (1 of 4 stars; one submission).

Conditions:
Treacher Collins syndrome 1 (TCS1). Also called: TCOF1-Related Treacher Collins Syndrome. Identifiers: Orphanet 861, MedGen CN315775, MONDO:0007944, OMIM 154500.

Submission:

Labcorp Genetics (formerly Invitae), Labcorp
Classification: Pathogenic for Treacher Collins syndrome 1. Last evaluated: 2021-06-01. Review status: criteria provided, single submitter. Criteria: Invitae Variant Classification Sherloc (09022015). Collection method: clinical testing. Allele origin: germline.
Comment: This sequence change creates a premature translational stop signal (p.Gln55*) in the TCOF1 gene. It is expected to result in an absent or disrupted protein product. Loss-of-function variants in TCOF1 are known to be pathogenic (PMID: 8894686, 22317976). This variant is not present in population databases (ExAC no frequency). This variant has been observed in individual(s) with Treacher Collins syndrome 1 (PMID: 12444270). For these reasons, this variant has been classified as Pathogenic.

Literature cited by the submitters: PubMed 8894686; PubMed 22317976; PubMed 12444270.